The following is an entry in ClinVar:

NM_144670.6(A2ML1):c.2082_2083inv (p.Ser695Gly)

Gene: A2ML1 (alpha-2-macroglobulin like 1; plus strand). Cytogenetic location: 12p13.31.
Variant type: Inversion.
Coding change: c.2082_2083inv on transcript NM_144670.6 (MANE Select).
Protein change: p.Ser695Gly; replaces serine 695 with glycine.
Molecular consequence: missense variant.
Genome position: GRCh38 VCF-style: chr12-8849722-CA-TG. GRCh37 (hg19) VCF-style: chr12-9002318-CA-TG.
Other names: c.609_610inv, p.Ser204Gly (NM_001282424.3); short protein forms S695G, S204G.
Identifiers: ClinVar variation 968382 (VCV000968382.8), ClinGen allele CA1139662506.

ClinVar aggregate classification (germline): Uncertain significance (1 of 4 stars; one submission).

Submission:

Labcorp Genetics (formerly Invitae), Labcorp
Classification: Uncertain significance. Last evaluated: 2024-02-24. Review status: criteria provided, single submitter. Criteria: Invitae Variant Classification Sherloc (09022015). Collection method: clinical testing. Allele origin: germline.
Comment: This sequence change replaces serine, which is neutral and polar, with glycine, which is neutral and non-polar, at codon 695 of the A2ML1 protein (p.Ser695Gly). Information on the frequency of this variant in the gnomAD database is not available, as this variant may be reported differently in the database. This variant has not been reported in the literature in individuals affected with A2ML1-related conditions. ClinVar contains an entry for this variant (Variation ID: 968382). Experimental studies and prediction algorithms are not available or were not evaluated, and the functional significance of this variant is currently unknown. In summary, the available evidence is currently insufficient to determine the role of this variant in disease. Therefore, it has been classified as a Variant of Uncertain Significance.